The following is an entry in ClinVar:

NM_001040142.2(SCN2A):c.605+2T>C

Gene: SCN2A (sodium voltage-gated channel alpha subunit 2; plus strand). Cytogenetic location: 2q24.3.
Variant type: single nucleotide variant.
Coding change: c.605+2T>C on transcript NM_001040142.2 (MANE Select); the canonical splice donor site of the intron after coding-DNA position 605, T replaced by C.
Molecular consequence: splice donor variant.
Genome position (GRCh38, 1-based): chr2:165,308,796, T>C. VCF-style: chr2-165308796-T-C. GRCh37 (hg19) VCF-style: chr2-166165306-T-C.
Other names: c.605+2T>C (NM_001040143.2, NM_001371246.1, NM_001371247.1 and 1 more transcripts).
Identifiers: ClinVar variation 5029122 (VCV005029122.1).

ClinVar aggregate classification (germline): Likely pathogenic (1 of 4 stars; one submission).

Conditions:
Inborn genetic diseases. Identifiers: MedGen C0950123, MeSH D030342.

Submission:

Ambry Genetics
Classification: Likely pathogenic for Inborn genetic diseases. Last evaluated: 2026-07-27. Review status: criteria provided, single submitter. Criteria: Ambry Variant Classification Scheme 2023. Collection method: clinical testing. Allele origin: germline.
Comment: The c.605+2T>C intronic variant consists of a T to C substitution two nucleotides after exon 5 (coding exon 4) of the SCN2A gene. Variants that disrupt the canonical splice site are expected to cause aberrant splicing, resulting in an abnormal protein or a transcript that is subject to nonsense-mediated mRNA decay; however, +2T>C variants are capable of generating wild-type transcripts in some genomic contexts and should be interpreted with caution (Lin, 2019). for SCN2A-related neurodevelopmental disorder; however, its clinical significance for SCN2A-related developmental and epileptic encephalopathy and SCN2A-related benign familial infantile seizures is uncertain. This variant was not reported in population-based cohorts in the Genome Aggregation Database (gnomAD). This nucleotide position is highly conserved in available vertebrate species. In silico splice site analysis predicts that this alteration will weaken the native splice donor site. Based on the available evidence, this alteration is classified as likely pathogenic.